The following is an entry in ClinVar:

NM_002474.3(MYH11):c.5230_5231delinsCT (p.Glu1744Leu)

Genes: NDE1 (nudE neurodevelopment protein 1; plus strand), MYH11 (myosin heavy chain 11; minus strand). Cytogenetic location: 16p13.11.
Variant type: Indel.
Coding change: c.5230_5231delinsCT on transcript NM_002474.3 (MANE Select); coding-DNA positions 5230 to 5231, GA replaced by CT.
Protein change: p.Glu1744Leu; replaces glutamic acid 1744 with leucine.
Molecular consequence: missense variant. On other transcripts: intron variant (2).
Genome position (GRCh38, 1-based): chr16:15,718,379-15,718,380, TC replaced by AG on the plus strand (GA replaced by CT on the coding strand, the reverse complement: MYH11 is on the minus strand). VCF-style: chr16-15718379-TC-AG. GRCh37 (hg19) VCF-style: chr16-15812236-TC-AG.
Other names: c.5251_5252delinsCT, p.Glu1751Leu (NM_001040113.2, NM_001040114.2); c.5230_5231delinsCT, p.Glu1744Leu (NM_022844.3); c.948-5812_948-5811delinsAG (NM_001143979.2, NM_017668.3); short protein forms E1744L, E1751L.
Identifiers: ClinVar variation 2443676 (VCV002443676.4), dbSNP rs2506094864, ClinGen allele CA2580090765.

ClinVar aggregate classification (germline): Uncertain significance. Review status: criteria provided, multiple submitters, no conflicts (2 of 4 stars). 2 submissions from 2 submitters: Uncertain significance (2). Last evaluated 2025-08-30.

Conditions:
Familial thoracic aortic aneurysm and aortic dissection (TAAD). Also called: Thoracic aortic aneurysms and dissections. Identifiers: Orphanet 91387, MedGen C4707243, MONDO:0019625.

Submissions (2):

Color Diagnostics, LLC DBA Color Health
Classification: Uncertain significance for Familial thoracic aortic aneurysm and aortic dissection. Last evaluated: 2025-08-30. Review status: criteria provided, single submitter. Criteria: ACMG Guidelines, 2015. Collection method: clinical testing. Allele origin: germline.
Comment: This missense variant replaces glutamic acid with leucine at codon 1751 of the MYH11 protein. To our knowledge, functional studies have not been reported for this variant. This variant has not been reported in individuals affected with MYH11-related disorders in the literature. This variant has not been identified in the general population by the Genome Aggregation Database (gnomAD). The available evidence is insufficient to determine the role of this variant in disease conclusively. Therefore, this variant is classified as a Variant of Uncertain Significance.

GeneDx
Classification: Uncertain significance. Last evaluated: 2025-01-30. Review status: criteria provided, single submitter. Criteria: GeneDx Variant Classification Process June 2021. Collection method: clinical testing. Allele origin: germline. Affected: yes.
Comment: Has not been previously published as pathogenic or benign to our knowledge; Not observed at significant frequency in large population cohorts (gnomAD); In silico analysis supports a deleterious effect on protein structure/function; This variant is associated with the following publications: (PMID: 21529752)